The following is an entry in ClinVar:

NM_005591.4(MRE11):c.100A>T (p.Asn34Tyr)

Gene: MRE11 (MRE11 double strand break repair nuclease; minus strand). Cytogenetic location: 11q21.
Variant type: single nucleotide variant.
Coding change: c.100A>T on transcript NM_005591.4 (MANE Select); coding-DNA position 100, A replaced by T.
Protein change: p.Asn34Tyr; replaces asparagine 34 with tyrosine.
Molecular consequence: missense variant.
Genome position (GRCh38, 1-based): chr11:94,490,886, T>A on the plus strand (A>T on the coding strand, the complement: MRE11 is on the minus strand). VCF-style: chr11-94490886-T-A. GRCh37 (hg19) VCF-style: chr11-94224052-T-A.
Other names: c.100A>T, p.Asn34Tyr (NM_001330347.2, NM_005590.4); short protein forms N34Y.
Identifiers: ClinVar variation 1038656 (VCV001038656.8), dbSNP rs1947265904, ClinGen allele CA382380765.

ClinVar aggregate classification (germline): Uncertain significance (1 of 4 stars; one submission).

Conditions:
Ataxia-telangiectasia-like disorder (ATLD). Identifiers: MedGen C1858391, MONDO:0011457.

Submission:

Labcorp Genetics (formerly Invitae), Labcorp
Classification: Uncertain significance for Ataxia-telangiectasia-like disorder. Last evaluated: 2020-06-13. Review status: criteria provided, single submitter. Criteria: Invitae Variant Classification Sherloc (09022015). Collection method: clinical testing. Allele origin: germline.
Comment: In summary, the available evidence is currently insufficient to determine the role of this variant in disease. Therefore, it has been classified as a Variant of Uncertain Significance. Algorithms developed to predict the effect of missense changes on protein structure and function are either unavailable or do not agree on the potential impact of this missense change (SIFT: "Tolerated"; PolyPhen-2: "Possibly Damaging"; Align-GVGD: "Class C0"). This variant has not been reported in the literature in individuals with MRE11-related conditions. This variant is not present in population databases (ExAC no frequency). This sequence change replaces asparagine with tyrosine at codon 34 of the MRE11 protein (p.Asn34Tyr). The asparagine residue is moderately conserved and there is a large physicochemical difference between asparagine and tyrosine.